The following is an entry in ClinVar:

ClinVar aggregate classification (germline): Likely benign. Review status: criteria provided, single submitter (1 of 4 stars). 2 submissions from 2 submitters: Likely benign (1). 1 of the submissions does not count toward it. Last evaluated 2025-06-27.

Conditions:
SI-related disorder. Also called: SI-related condition.

Allele frequency attached by ClinVar (database versions not stated): ExAC 0.00007; TOPMed 0.00007; gnomAD 0.00009; gnomAD exomes 0.00013; 1000 Genomes Project 30x 0.00016; 1000 Genomes Project 0.00020.
gnomAD v4.1: 207 of 1,611,048 alleles (0.013%); highest among the groups gnomAD compares: Non-Finnish European, 0.015%; no homozygotes.

Submissions (2):

Labcorp Genetics (formerly Invitae), Labcorp
Classification: Likely benign. Last evaluated: 2025-06-27. Review status: criteria provided, single submitter. Criteria: Invitae Variant Classification Sherloc (09022015). Collection method: clinical testing. Allele origin: germline.

PreventionGenetics, part of Exact Sciences
Classification: Likely benign for SI-related condition. Last evaluated: 2019-08-28. Review status: no assertion criteria provided. Collection method: clinical testing. Allele origin: germline. Not counted in ClinVar's aggregate classification.
Comment: This variant is classified as likely benign based on ACMG/AMP sequence variant interpretation guidelines (Richards et al. 2015 PMID: 25741868, with internal and published modifications).

NM_001041.4(SI):c.4359C>T (p.Tyr1453=)

Gene: SI (sucrase-isomaltase; minus strand). Cytogenetic location: 3q26.1.
Variant type: single nucleotide variant.
Coding change: c.4359C>T on transcript NM_001041.4 (MANE Select); coding-DNA position 4359, C replaced by T.
Protein change: p.Tyr1453=; no amino-acid change (tyrosine 1453 retained).
Molecular consequence: synonymous variant.
Genome position (GRCh38, 1-based): chr3:165,006,863, G>A on the plus strand (C>T on the coding strand, the complement: SI is on the minus strand). VCF-style: chr3-165006863-G-A. GRCh37 (hg19) VCF-style: chr3-164724651-G-A.
Other names: c.4359C>T (NM_001041.3).
Identifiers: ClinVar variation 1908596 (VCV001908596.7), dbSNP rs534252932, ClinGen allele CA2689946.